The following is an entry in ClinVar:

NM_201384.3(PLEC):c.3248T>C (p.Ile1083Thr)

Gene: PLEC (plectin; minus strand). Cytogenetic location: 8q24.3.
Variant type: single nucleotide variant.
Coding change: c.3248T>C on transcript NM_201384.3 (MANE Select); coding-DNA position 3248, T replaced by C.
Protein change: p.Ile1083Thr; replaces isoleucine 1083 with threonine.
Molecular consequence: missense variant.
Genome position (GRCh38, 1-based): chr8:143,929,115, A>G on the plus strand (T>C on the coding strand, the complement: PLEC is on the minus strand). VCF-style: chr8-143929115-A-G. GRCh37 (hg19) VCF-style: chr8-145003283-A-G.
Other names: c.3329T>C, p.Ile1110Thr (NM_000445.5, NM_001410941.1); c.3206T>C, p.Ile1069Thr (NM_201378.4); c.3182T>C, p.Ile1061Thr (NM_201379.3); c.3659T>C, p.Ile1220Thr (NM_201380.4); c.3152T>C, p.Ile1051Thr (NM_201381.3); c.3248T>C, p.Ile1083Thr (NM_201382.4); c.3260T>C, p.Ile1087Thr (NM_201383.3); short protein forms I1051T, I1061T, I1069T, I1083T, I1087T, I1110T, I1220T.
Identifiers: ClinVar variation 2673162 (VCV002673162.23), dbSNP rs1826244766, ClinGen allele CA372568497.
Genomic context (GRCh38, chr8:143,929,115, plus strand): 5'-CACCCCCCAGCCGACCCCAGCCCCTCGCCTGTGGCCAGGTGCACTCACTTCTCCAGGTAG[A>G]TGGCAGACAGGCTGCGGACCTGCTCCAGCTTGCCCAGCGTCAGCTCCAGCTCCGAGCGCA-3'
Protein context (NP_958786.1, residues 1073-1093): KLEQVRSLSA[Ile1083Thr]YLEKLKTISL

ClinVar aggregate classification (germline): Uncertain significance (1 of 4 stars; one submission).

Allele frequency attached by ClinVar (database versions not stated): gnomAD exomes below 0.00001.
gnomAD v4.1: 1 of 1,578,268 alleles (0.000063%); highest among the groups gnomAD compares: Non-Finnish European, 0.000086%; no homozygotes.

Submission:

CeGaT Center for Human Genetics Tuebingen
Classification: Uncertain significance. Last evaluated: 2023-12-01. Review status: criteria provided, single submitter. Criteria: CeGaT Center For Human Genetics Tuebingen Variant Classification Criteria Version 2. Collection method: clinical testing. Allele origin: germline. Affected: yes. Observed: 1 variant allele.
Comment: PLEC: PM2